The following is an entry in ClinVar:

ClinVar aggregate classification (germline): Uncertain significance (1 of 4 stars; one submission).

Submission:

Labcorp Genetics (formerly Invitae), Labcorp
Classification: Uncertain significance. Last evaluated: 2024-10-17. Review status: criteria provided, single submitter. Criteria: Invitae Variant Classification Sherloc (09022015). Collection method: clinical testing. Allele origin: germline.
Comment: This sequence change falls in intron 11 of the SORL1 gene. It does not directly change the encoded amino acid sequence of the SORL1 protein. It affects a nucleotide within the consensus splice site. This variant is not present in population databases (gnomAD no frequency). This variant has not been reported in the literature in individuals affected with SORL1-related conditions. Variants that disrupt the consensus splice site are a relatively common cause of aberrant splicing (PMID: 17576681, 9536098). Algorithms developed to predict the effect of sequence changes on RNA splicing suggest that this variant may disrupt the consensus splice site. In summary, the available evidence is currently insufficient to determine the role of this variant in disease. Therefore, it has been classified as a Variant of Uncertain Significance.

Literature cited by the submitters: PubMed 17576681; PubMed 9536098.

NM_003105.6(SORL1):c.1596+5G>C

Gene: SORL1 (sortilin related receptor 1; plus strand). Cytogenetic location: 11q24.1.
Variant type: single nucleotide variant.
Coding change: c.1596+5G>C on transcript NM_003105.6 (MANE Select); 5 bases into the intron after coding-DNA position 1596, G replaced by C.
Molecular consequence: intron variant.
Genome position (GRCh38, 1-based): chr11:121,522,994, G>C. VCF-style: chr11-121522994-G-C. GRCh37 (hg19) VCF-style: chr11-121393703-G-C.
Identifiers: ClinVar variation 3632739 (VCV003632739.2).
Genomic context (GRCh38, chr11:121,522,994, plus strand): 5'-TGGCTAGCAAGACAAACGTGTACATCTCTAGCAGTGCTGGAGCCAGGTGGCGAGAGGTCA[G>C]CCCCCTCCCCCAATCCCGTCCCCTCCACCCTCATTCCCATTTGTGTGAGAATGTAGACTG-3'